The following is an entry in ClinVar:

ClinVar aggregate classification (germline): Uncertain significance (1 of 4 stars; one submission).

Conditions:
Xanthinuria type II. Also called: Xanthine dehydrogenase and aldehyde oxidase combined deficiency of; XDH and AOX dual deficiency. Identifiers: Orphanet 3467, Orphanet 93602, MedGen C1863688, MONDO:0011346, OMIM 603592.

Allele frequency attached by ClinVar (database versions not stated): gnomAD 0.00001.
gnomAD v4.1: 2 of 1,614,030 alleles (0.00012%); highest among the groups gnomAD compares: African/African-American, 0.0027%; no homozygotes.

Submission:

Labcorp Genetics (formerly Invitae), Labcorp
Classification: Uncertain significance for Xanthinuria type II. Last evaluated: 2024-10-08. Review status: criteria provided, single submitter. Criteria: Invitae Variant Classification Sherloc (09022015). Collection method: clinical testing. Allele origin: germline.
Comment: This sequence change replaces glutamic acid, which is acidic and polar, with lysine, which is basic and polar, at codon 428 of the XDH protein (p.Glu428Lys). This variant is present in population databases (no rsID available, gnomAD 0.01%). This variant has not been reported in the literature in individuals affected with XDH-related conditions. ClinVar contains an entry for this variant (Variation ID: 1387539). An algorithm developed to predict the effect of missense changes on protein structure and function (PolyPhen-2) suggests that this variant is likely to be tolerated. In summary, the available evidence is currently insufficient to determine the role of this variant in disease. Therefore, it has been classified as a Variant of Uncertain Significance.

NM_000379.4(XDH):c.1282G>A (p.Glu428Lys)

Gene: XDH (xanthine dehydrogenase; minus strand). Cytogenetic location: 2p23.1.
Variant type: single nucleotide variant.
Coding change: c.1282G>A on transcript NM_000379.4 (MANE Select); coding-DNA position 1282, G replaced by A.
Protein change: p.Glu428Lys; replaces glutamic acid 428 with lysine.
Molecular consequence: missense variant.
Genome position (GRCh38, 1-based): chr2:31,377,198, C>T on the plus strand (G>A on the coding strand, the complement: XDH is on the minus strand). VCF-style: chr2-31377198-C-T. GRCh37 (hg19) VCF-style: chr2-31600064-C-T.
Other names: short protein forms E428K.
Identifiers: ClinVar variation 1387539 (VCV001387539.8), dbSNP rs1050893739, ClinGen allele CA44747614.